The following is an entry in ClinVar:

ClinVar aggregate classification (germline): Uncertain significance. Review status: criteria provided, single submitter (1 of 4 stars). 2 submissions from 2 submitters: Uncertain significance (1). 1 of the submissions does not count toward it. Last evaluated 2026-01-25.

Allele frequency attached by ClinVar (database versions not stated): gnomAD 0.00011 and 0.00009; TOPMed 0.00011; 1000 Genomes Project 30x 0.00047; ExAC 0.00008; gnomAD exomes 0.00006 and 0.00008; 1000 Genomes Project 0.00040.

Submissions (2):

Labcorp Genetics (formerly Invitae), Labcorp
Classification: Uncertain significance. Last evaluated: 2026-01-25. Review status: criteria provided, single submitter. Criteria: Invitae Variant Classification Sherloc (09022015). Collection method: clinical testing. Allele origin: germline.
Comment: This sequence change replaces arginine, which is basic and polar, with tryptophan, which is neutral and slightly polar, at codon 142 of the OR2W3 protein (p.Arg142Trp). This variant is present in population databases (rs189993261, gnomAD 0.05%). This missense change has been observed in individual(s) with retinitis pigmentosa (PMID: 25783483). ClinVar contains an entry for this variant (Variation ID: 218914). An algorithm developed to predict the effect of missense changes on protein structure and function (PolyPhen-2) suggests that this variant is likely to be tolerated. In summary, the available evidence is currently insufficient to determine the role of this variant in disease. Therefore, it has been classified as a Variant of Uncertain Significance.

OMIM
Classification: Uncertain significance for VARIANT OF UNKNOWN SIGNIFICANCE. Last evaluated: 2015-03-18. Review status: no assertion criteria provided. Collection method: literature only. Allele origin: germline. Not counted in ClinVar's aggregate classification.

Literature cited by the submitters: PubMed 25783483 (cited by Labcorp Genetics (formerly Invitae), Labcorp and OMIM).

NM_001001957.2(OR2W3):c.424C>T (p.Arg142Trp)

Gene: OR2W3 (olfactory receptor family 2 subfamily W member 3; plus strand). Cytogenetic location: 1q44.
Variant type: single nucleotide variant.
Coding change: c.424C>T on transcript NM_001001957.2 (MANE Select); coding-DNA position 424, C replaced by T.
Protein change: p.Arg142Trp; replaces arginine 142 with tryptophan.
Molecular consequence: missense variant.
Genome position (GRCh38, 1-based): chr1:247,896,010, C>T. VCF-style: chr1-247896010-C-T. GRCh37 (hg19) VCF-style: chr1-248059312-C-T.
Other names: short protein forms R142W.
Identifiers: ClinVar variation 218914 (VCV000218914.4), dbSNP rs189993261, ClinGen allele CA249444.